The following is an entry in ClinVar:

ClinVar aggregate classification (germline): Benign. Review status: criteria provided, multiple submitters, no conflicts (2 of 4 stars). 2 submissions from 2 submitters: Benign (2). Last evaluated 2018-01-12.

Conditions:
Brachydactyly. Also called: Brachydactyly syndrome; Brachydactyly (disease). Identifiers: MedGen C0221357, MONDO:0021004, HP:0001156.

Allele frequency attached by ClinVar (database versions not stated): 1000 Genomes Project 0.57927; 1000 Genomes Project 30x 0.58354; gnomAD 0.62640 and 0.63376; TOPMed 0.63962; gnomAD exomes 1.00000.
gnomAD v4.1: 94,812 of 151,436 alleles (63%); highest among the groups gnomAD compares: Middle Eastern, 75%; 29,976 homozygotes.

Submissions (2):

Illumina Laboratory Services, Illumina
Classification: Benign for Brachydactyly. Last evaluated: 2018-01-12. Review status: criteria provided, single submitter. Criteria: ICSL Variant Classification Criteria 13 December 2019. Collection method: clinical testing. Allele origin: germline.
Comment: This variant was observed in the ICSL laboratory as part of a predisposition screen in an ostensibly healthy population. It had not been previously curated by ICSL or reported in the Human Gene Mutation Database (HGMD: prior to June 1st, 2018), and was therefore a candidate for classification through an automated scoring system. Utilizing variant allele frequency, disease prevalence and penetrance estimates, and inheritance mode, an automated score was calculated to assess if this variant is too frequent to cause the disease. Based on the score and internal cut-off values, a variant classified as benign is not then subjected to further curation. The score for this variant resulted in a classification of benign for this disease.

Breakthrough Genomics
Classification: Benign. Review status: criteria provided, single submitter. Criteria: ACMG Guidelines, 2015. Collection method: not provided. Allele origin: germline. Inheritance: Autosomal recessive inheritance. Affected: yes.

NM_001203.3(BMPR1B):c.*989A>G

Gene: BMPR1B (bone morphogenetic protein receptor type 1B; plus strand). Cytogenetic location: 4q22.3.
Variant type: single nucleotide variant.
Coding change: c.*989A>G on transcript NM_001203.3 (MANE Select); 989 bases downstream of the stop codon, A replaced by G.
Molecular consequence: 3 prime UTR variant.
Genome position (GRCh38, 1-based): chr4:95,155,662, A>G. VCF-style: chr4-95155662-A-G. GRCh37 (hg19) VCF-style: chr4-96076813-A-G.
Other names: c.*989A>G (NM_001256792.2, NM_001256793.2, NM_001256794.1).
Identifiers: ClinVar variation 350147 (VCV000350147.6), dbSNP rs11097457, ClinGen allele CA10622021.
Genomic context (GRCh38, chr4:95,155,662, plus strand): 5'-GCTTTCAAATAGAGGTAATTTGCTCTTGTGTTGTAAGAGGAACATGTCAACAAAGATAGG[A>G]AATGAGGGTGATCGTGCAGATGGCTTGTATCTTATATATGCAAAGGAGCCAATCTCAGAA-3'